The following is an entry in ClinVar:

NM_000891.3(KCNJ2):c.1007A>G (p.Tyr336Cys)

Gene: KCNJ2 (potassium inwardly rectifying channel subfamily J member 2; plus strand). Cytogenetic location: 17q24.3.
Variant type: single nucleotide variant.
Coding change: c.1007A>G on transcript NM_000891.3 (MANE Select); coding-DNA position 1007, A replaced by G.
Protein change: p.Tyr336Cys; replaces tyrosine 336 with cysteine.
Molecular consequence: missense variant.
Genome position (GRCh38, 1-based): chr17:70,176,046, A>G. VCF-style: chr17-70176046-A-G. GRCh37 (hg19) VCF-style: chr17-68172187-A-G.
Other names: short protein forms Y336C.
Identifiers: ClinVar variation 2922323 (VCV002922323.4), dbSNP rs1598211540, ClinGen allele CA400863069.

ClinVar aggregate classification (germline): Uncertain significance. Review status: criteria provided, multiple submitters, no conflicts (2 of 4 stars). 2 submissions from 2 submitters: Uncertain significance (2). Last evaluated 2025-09-09.

Conditions:
Andersen Tawil syndrome (LQT7). Also called: ANDERSEN CARDIODYSRHYTHMIC PERIODIC PARALYSIS; LONG QT SYNDROME 7; PERIODIC PARALYSIS, POTASSIUM-SENSITIVE CARDIODYSRHYTHMIC TYPE; Andersen Syndrome; Potassium-sensitive periodic paralysis, ventricular ectopy, and dysmorphic features. Identifiers: Orphanet 37553, MedGen C1563715, MONDO:0008222, OMIM 170390.
Short QT syndrome type 3. Identifiers: Orphanet 51083, MedGen C1865018, MONDO:0012314, OMIM 609622.

Submissions (2):

Helix
Classification: Uncertain significance for Short QT syndrome type 3. Last evaluated: 2025-09-09. Review status: criteria provided, single submitter. Criteria: ACMG Guidelines, 2015. Collection method: clinical testing. Allele origin: germline. Inheritance: Autosomal dominant inheritance.
Comment: This variant (NM_000891.3:c.1007A>G p.Tyr336Cys) results in the substitution of tyrosine with cysteine at codon 336 in the KCNJ2 protein. It is a rare variant that is absent from the large gnomAD population database (v4.1). To our knowledge, this variant has not been reported in individuals with KCNJ2-related conditions. In silico prediction from REVEL (PMID: 27666373) is indeterminate. This variant is present in ClinVar (Variation ID: 2922323). In conclusion, since the available evidence is limited, the clinical significance of this variant is unclear at this time. Therefore, it is classified as a Variant of Uncertain Significance.

Labcorp Genetics (formerly Invitae), Labcorp
Classification: Uncertain significance for Short QT syndrome type 3; Andersen Tawil syndrome. Last evaluated: 2024-01-31. Review status: criteria provided, single submitter. Criteria: Invitae Variant Classification Sherloc (09022015). Collection method: clinical testing. Allele origin: germline.
Comment: This sequence change replaces tyrosine, which is neutral and polar, with cysteine, which is neutral and slightly polar, at codon 336 of the KCNJ2 protein (p.Tyr336Cys). This variant is not present in population databases (gnomAD no frequency). This variant has not been reported in the literature in individuals affected with KCNJ2-related conditions. Advanced modeling of protein sequence and biophysical properties (such as structural, functional, and spatial information, amino acid conservation, physicochemical variation, residue mobility, and thermodynamic stability) performed at Invitae indicates that this missense variant is not expected to disrupt KCNJ2 protein function with a negative predictive value of 80%. In summary, the available evidence is currently insufficient to determine the role of this variant in disease. Therefore, it has been classified as a Variant of Uncertain Significance.